The following is an entry in ClinVar:

ClinVar aggregate classification (germline): Uncertain significance (1 of 4 stars; one submission).

Submission:

ISCA site 4
Classification: Uncertain significance. Last evaluated: 2011-08-12. Review status: criteria provided, single submitter. Criteria: Kaminsky et al. (Genet Med. 2011). Collection method: clinical testing. Allele origin: unknown. Affected: yes. Observed: 1 variant allele.
Comment: Copy number variation identified through the course of routine clinical cytogenomic testing in postnatal populations. Clinical assertions have been curated as described in Kaminsky et al. 2011.

GRCh38/hg38 9p24.3(chr9:229198-381489)x3

Genes: DOCK8 (dedicator of cytokinesis 8; plus strand), LOC126860552 (BRD4-independent group 4 enhancer GRCh37_chr9:285795-286994; plus strand), LOC130001439 (ATAC-STARR-seq lymphoblastoid active region 28115; plus strand), LOC130001440 (ATAC-STARR-seq lymphoblastoid active region 28116; plus strand). Cytogenetic location: 9p24.3.
Variant type: copy number gain.
Change: copy number 3 (three copies instead of two) of chr9:229,198-381,489 (152.3 kb, GRCh38 coordinates, 1-based), cytogenetic band 9p24.3.
Identifiers: ClinVar variation 57006 (VCV000057006.1).